The following is an entry in ClinVar:

NM_015915.5(ATL1):c.773A>C (p.His258Pro)

Gene: ATL1 (atlastin GTPase 1; plus strand). Cytogenetic location: 14q22.1.
Variant type: single nucleotide variant.
Coding change: c.773A>C on transcript NM_015915.5 (MANE Select); coding-DNA position 773, A replaced by C.
Protein change: p.His258Pro; replaces histidine 258 with proline.
Molecular consequence: missense variant.
Genome position (GRCh38, 1-based): chr14:50,614,422, A>C. VCF-style: chr14-50614422-A-C. GRCh37 (hg19) VCF-style: chr14-51081140-A-C.
Other names: c.773A>C, p.His258Pro (NM_001127713.1, NM_181598.4); short protein forms H258P.
Identifiers: ClinVar variation 3721089 (VCV003721089.2).

ClinVar aggregate classification (germline): Uncertain significance (1 of 4 stars; one submission).

Conditions:
Hereditary spastic paraplegia 3A (SPG3A). Also called: Spastic paraplegia 3A, autosomal dominant; SPASTIC PARAPLEGIA 3, AUTOSOMAL DOMINANT; FAMILIAL SPASTIC PARAPLEGIA, AUTOSOMAL DOMINANT, 1; SPG3; STRUMPELL DISEASE; Spastic Paraplegia 3A. Identifiers: Orphanet 100984, MedGen C2931355, MONDO:0008437, OMIM 182600.

Submission:

Labcorp Genetics (formerly Invitae), Labcorp
Classification: Uncertain significance for Hereditary spastic paraplegia 3A. Last evaluated: 2024-11-12. Review status: criteria provided, single submitter. Criteria: Invitae Variant Classification Sherloc (09022015). Collection method: clinical testing. Allele origin: germline.
Comment: This sequence change replaces histidine, which is basic and polar, with proline, which is neutral and non-polar, at codon 258 of the ATL1 protein (p.His258Pro). This variant is not present in population databases (gnomAD no frequency). This variant has not been reported in the literature in individuals affected with ATL1-related conditions. Invitae Evidence Modeling of protein sequence and biophysical properties (such as structural, functional, and spatial information, amino acid conservation, physicochemical variation, residue mobility, and thermodynamic stability) has been performed for this missense variant. However, the output from this modeling did not meet the statistical confidence thresholds required to predict the impact of this variant on ATL1 protein function. This variant disrupts the p.His258 amino acid residue in ATL1. Other variant(s) that disrupt this residue have been determined to be pathogenic (PMID: 11685207, 16537571, 25761634). This suggests that this residue is clinically significant, and that variants that disrupt this residue are likely to be disease-causing. In summary, the available evidence is currently insufficient to determine the role of this variant in disease. Therefore, it has been classified as a Variant of Uncertain Significance.

Literature cited by the submitters: PubMed 11685207; PubMed 16537571; PubMed 25761634.